The following is an entry in ClinVar:

NM_001378964.1(CDON):c.1943C>T (p.Ser648Phe)

Gene: CDON (cell adhesion associated, oncogene regulated; minus strand). Cytogenetic location: 11q24.2.
Variant type: single nucleotide variant.
Coding change: c.1943C>T on transcript NM_001378964.1 (MANE Select); coding-DNA position 1943, C replaced by T.
Protein change: p.Ser648Phe; replaces serine 648 with phenylalanine.
Molecular consequence: missense variant.
Genome position (GRCh38, 1-based): chr11:126,003,985, G>A on the plus strand (C>T on the coding strand, the complement: CDON is on the minus strand). VCF-style: chr11-126003985-G-A. GRCh37 (hg19) VCF-style: chr11-125873880-G-A.
Other names: c.1943C>T, p.Ser648Phe (NM_001243597.3, NM_016952.6); short protein forms S648F.
Identifiers: ClinVar variation 2067476 (VCV002067476.4), dbSNP rs2497151879, ClinGen allele CA383208056.
Genomic context (GRCh38, chr11:126,003,985, plus strand): 5'-ATGGCAGGTTGGCCTTCACCTGCTGCGCTTCTTGCTACCATCAAGACTTCATAAAGACTA[G>A]ATGGCTCCAGCTCAGCTAAATGGAGCTCATTTTCACTTCCTGGGACTCGAACCGTGTGCC-3'
Protein context (NP_001365893.1, residues 638-658): NELHLAELEP[Ser648Phe]SLYEVLMVAR

ClinVar aggregate classification (germline): Uncertain significance (1 of 4 stars; one submission).

Conditions:
Holoprosencephaly 11 (HPE11). Identifiers: Orphanet 2162, MedGen C3280215, MONDO:0013642, OMIM 614226.

Submission:

Labcorp Genetics (formerly Invitae), Labcorp
Classification: Uncertain significance for Holoprosencephaly 11. Last evaluated: 2024-02-17. Review status: criteria provided, single submitter. Criteria: Invitae Variant Classification Sherloc (09022015). Collection method: clinical testing. Allele origin: germline.
Comment: This sequence change replaces serine, which is neutral and polar, with phenylalanine, which is neutral and non-polar, at codon 648 of the CDON protein (p.Ser648Phe). This variant is not present in population databases (gnomAD no frequency). This variant has not been reported in the literature in individuals affected with CDON-related conditions. ClinVar contains an entry for this variant (Variation ID: 2067476). Advanced modeling of protein sequence and biophysical properties (such as structural, functional, and spatial information, amino acid conservation, physicochemical variation, residue mobility, and thermodynamic stability) has been performed at Invitae for this missense variant, however the output from this modeling did not meet the statistical confidence thresholds required to predict the impact of this variant on CDON protein function. In summary, the available evidence is currently insufficient to determine the role of this variant in disease. Therefore, it has been classified as a Variant of Uncertain Significance.